The following is an entry in ClinVar:

ClinVar aggregate classification (germline): Pathogenic (1 of 4 stars; one submission).

Conditions:
MECOM-associated syndrome. Identifiers: MedGen CN305607, MONDO:0100458.

Submission:

Wendy Chung Laboratory, Boston Children's Hospital
Classification: Pathogenic for MECOM-associated syndrome. Last evaluated: 2025-04-30. Review status: criteria provided, single submitter. Criteria: ACMG Guidelines, 2015. Collection method: research. Allele origin: paternal, de novo. Affected: yes. Observed: 4 variant alleles.
Comment: NM_004991.4:c.655G>T; p.(Glu219*) variant is a DNA single guanine to thymine base substitution predicted to cause a premature stop codon at position 219 and lead to nonsense-mediated decay (PVS1). The variant is absent from gnomAD v.4.1 (PM2_supporting). The variant co-segregated with disease in 4 family members (PP1)

NM_004991.4(MECOM):c.655G>T (p.Glu219Ter)

Gene: MECOM (MDS1 and EVI1 complex locus; minus strand). Cytogenetic location: 3q26.2.
Variant type: single nucleotide variant.
Coding change: c.655G>T on transcript NM_004991.4 (MANE Select); coding-DNA position 655, G replaced by T.
Protein change: p.Glu219Ter; replaces glutamic acid 219 with a stop codon.
Molecular consequence: nonsense.
Genome position (GRCh38, 1-based): chr3:169,128,019, C>A on the plus strand (G>T on the coding strand, the complement: MECOM is on the minus strand). VCF-style: chr3-169128019-C-A. GRCh37 (hg19) VCF-style: chr3-168845807-C-A.
Other names: c.91G>T, p.Glu31Ter (NM_001366468.2, NM_001366469.2, NM_001366470.2 and 9 more transcripts); c.655G>T, p.Glu219Ter (NM_001366473.2, NM_001366466.2); c.283G>T, p.Glu95Ter (NM_001105077.4); short protein forms E219*, E31*, E95*.
Identifiers: ClinVar variation 3900735 (VCV003900735.1).